The following is an entry in ClinVar:

NM_005751.5(AKAP9):c.6895G>C (p.Glu2299Gln)

Gene: AKAP9 (A-kinase anchoring protein 9; plus strand). Cytogenetic location: 7q21.2.
Variant type: single nucleotide variant.
Coding change: c.6895G>C on transcript NM_005751.5 (MANE Select); coding-DNA position 6895, G replaced by C.
Protein change: p.Glu2299Gln; replaces glutamic acid 2299 with glutamine.
Molecular consequence: missense variant.
Genome position (GRCh38, 1-based): chr7:92,077,825, G>C. VCF-style: chr7-92077825-G-C. GRCh37 (hg19) VCF-style: chr7-91707139-G-C.
Other names: c.1540G>C, p.Glu514Gln (NM_001379277.1); c.6871G>C, p.Glu2291Gln (NM_147185.3); short protein forms E2291Q, E2299Q, E514Q.
Identifiers: ClinVar variation 1006380 (VCV001006380.11), dbSNP rs1198428381, ClinGen allele CA368133833.

ClinVar aggregate classification (germline): Uncertain significance. Review status: criteria provided, multiple submitters, no conflicts (2 of 4 stars). 2 submissions from 2 submitters: Uncertain significance (2). Last evaluated 2025-12-15.

Conditions:
Cardiovascular phenotype. Identifiers: MedGen CN230736.
Long QT syndrome (LQTS). Identifiers: MedGen C0023976, MeSH D008133, MONDO:0002442. Disease mechanism: loss of function. Inheritance: Various modes of inheritance.

Allele frequency attached by ClinVar (database versions not stated): TOPMed 0.00001; gnomAD 0.00001; gnomAD exomes 0.00001.
gnomAD v4.1: 21 of 1,613,496 alleles (0.0013%); highest among the groups gnomAD compares: Non-Finnish European, 0.0017%; no homozygotes.

Submissions (2):

Ambry Genetics
Classification: Uncertain significance for Cardiovascular phenotype. Last evaluated: 2025-12-15. Review status: criteria provided, single submitter. Criteria: Ambry Variant Classification Scheme 2023. Collection method: clinical testing. Allele origin: germline.

Labcorp Genetics (formerly Invitae), Labcorp
Classification: Uncertain significance for Long QT syndrome. Last evaluated: 2024-06-30. Review status: criteria provided, single submitter. Criteria: Invitae Variant Classification Sherloc (09022015). Collection method: clinical testing. Allele origin: germline.
Comment: This sequence change replaces glutamic acid, which is acidic and polar, with glutamine, which is neutral and polar, at codon 2299 of the AKAP9 protein (p.Glu2299Gln). This variant is present in population databases (no rsID available, gnomAD 0.002%). This variant has not been reported in the literature in individuals affected with AKAP9-related conditions. ClinVar contains an entry for this variant (Variation ID: 1006380). An algorithm developed to predict the effect of missense changes on protein structure and function (PolyPhen-2) suggests that this variant is likely to be tolerated. In summary, the available evidence is currently insufficient to determine the role of this variant in disease. Therefore, it has been classified as a Variant of Uncertain Significance.